The following is an entry in ClinVar:

ClinVar aggregate classification (germline): Uncertain significance (1 of 4 stars; one submission).

Conditions:
Hyperkalemic periodic paralysis. Also called: Familial hyperkalemic periodic paralysis; Gamstorp disease. Identifiers: Orphanet 682, MedGen C0238357, MONDO:0008224, OMIM 170500, HP:0007215.

Allele frequency attached by ClinVar (database versions not stated): gnomAD exomes below 0.00001.
gnomAD v4.1: 1 of 1,613,774 alleles (0.000062%); highest among the groups gnomAD compares: Non-Finnish European, 0.000085%; no homozygotes.

Submission:

Labcorp Genetics (formerly Invitae), Labcorp
Classification: Uncertain significance for Hyperkalemic periodic paralysis. Last evaluated: 2024-09-05. Review status: criteria provided, single submitter. Criteria: Invitae Variant Classification Sherloc (09022015). Collection method: clinical testing. Allele origin: germline.
Comment: This sequence change replaces isoleucine, which is neutral and non-polar, with threonine, which is neutral and polar, at codon 574 of the SCN4A protein (p.Ile574Thr). This variant is not present in population databases (gnomAD no frequency). This variant has not been reported in the literature in individuals affected with SCN4A-related conditions. Invitae Evidence Modeling of protein sequence and biophysical properties (such as structural, functional, and spatial information, amino acid conservation, physicochemical variation, residue mobility, and thermodynamic stability) has been performed for this missense variant. However, the output from this modeling did not meet the statistical confidence thresholds required to predict the impact of this variant on SCN4A protein function. In summary, the available evidence is currently insufficient to determine the role of this variant in disease. Therefore, it has been classified as a Variant of Uncertain Significance.

NM_000334.4(SCN4A):c.1721T>C (p.Ile574Thr)

Gene: SCN4A (sodium voltage-gated channel alpha subunit 4; minus strand). Cytogenetic location: 17q23.3.
Variant type: single nucleotide variant.
Coding change: c.1721T>C on transcript NM_000334.4 (MANE Select); coding-DNA position 1721, T replaced by C.
Protein change: p.Ile574Thr; replaces isoleucine 574 with threonine.
Molecular consequence: missense variant.
Genome position (GRCh38, 1-based): chr17:63,961,317, A>G on the plus strand (T>C on the coding strand, the complement: SCN4A is on the minus strand). VCF-style: chr17-63961317-A-G. GRCh37 (hg19) VCF-style: chr17-62038677-A-G.
Other names: short protein forms I574T.
Identifiers: ClinVar variation 2812824 (VCV002812824.3), dbSNP rs2509310947, ClinGen allele CA400633367.
Genomic context (GRCh38, chr17:63,961,317, plus strand): 5'-AAGAGGGTGTTGAGCACGATGCAGATGGTGATGCCCAGGTCCACGAACGGGTCCATGACG[A>G]TCAGGTGGATGATGTTCTTGAACTTCAGCCACGGGGCGCAGCAGTTCCATATGAGCACTT-3'
Protein context (NP_000325.4, residues 564-584): WLKFKNIIHL[Ile574Thr]VMDPFVDLGI